The following is an entry in ClinVar:

ClinVar aggregate classification (germline): Pathogenic (1 of 4 stars; one submission).

Conditions:
Achromatopsia 3 (ACHM3). Also called: ACHROMATOPSIA WITH MYOPIA; PINGELAPESE BLINDNESS; TOTAL COLORBLINDNESS WITH MYOPIA; ROD MONOCHROMACY 1; ROD MONOCHROMATISM 1. Identifiers: Orphanet 49382, MedGen C1849792, MONDO:0009875, OMIM 262300.

Submission:

Myriad Genetics, Inc.
Classification: Pathogenic for Achromatopsia 3. Last evaluated: 2025-10-16. Review status: criteria provided, single submitter. Criteria: Myriad Autosomal Dominant, Autosomal Recessive and X-Linked Classification Criteria (2023). Collection method: clinical testing. Allele origin: unknown.
Comment: NM_019098.4(CNGB3):c.1310T>A(L437*) is expected to be pathogenic in the context of achromatopsia, CNGB3-related. This variant is predicted to lead to an abnormal or absent protein product due to the creation of a premature termination codon in CNGB3, a gene where loss-of-function variants are known to be pathogenic. Please note: this variant was assessed in the context of healthy population screening.

NM_019098.5(CNGB3):c.1310T>A (p.Leu437Ter)

Gene: CNGB3 (cyclic nucleotide gated channel subunit beta 3; minus strand). Cytogenetic location: 8q21.3.
Variant type: single nucleotide variant.
Coding change: c.1310T>A on transcript NM_019098.5 (MANE Select); coding-DNA position 1310, T replaced by A.
Protein change: p.Leu437Ter; replaces leucine 437 with a stop codon.
Molecular consequence: nonsense.
Genome position (GRCh38, 1-based): chr8:86,632,762, A>T on the plus strand (T>A on the coding strand, the complement: CNGB3 is on the minus strand). VCF-style: chr8-86632762-A-T. GRCh37 (hg19) VCF-style: chr8-87644990-A-T.
Other names: short protein forms L437*.
Identifiers: ClinVar variation 5015100 (VCV005015100.1).